The following is an entry in ClinVar:

ClinVar aggregate classification (germline): Uncertain significance (1 of 4 stars; one submission).

Conditions:
Kleefstra syndrome 2 (KLEFS2). Identifiers: MedGen C4540395, MONDO:0054701, OMIM 617768.

gnomAD v4.1: 2 of 1,614,208 alleles (0.00012%); highest among the groups gnomAD compares: East Asian, 0.0022%; no homozygotes.

Submission:

OLLIN Analises Genomicas, OLLIN
Classification: Uncertain significance for Kleefstra syndrome 2. Last evaluated: 2026-08-06. Review status: criteria provided, single submitter. Criteria: ACMG Guidelines 2015 PMID 25741868. Collection method: clinical testing. Allele origin: germline. Inheritance: Autosomal dominant inheritance.
Comment: This missense variant, located in exon 38 (of 59), has been observed in gnomAD with an allele frequency of 0.00012%, but has not been reported in ClinVar or identified in the literature. In silico analysis predicts that this variant has a tolerated effect. According to the currently available evidence, this variant has been classified as uncertain significance (PM2_P, BP4).

NM_170606.3(KMT2C):c.8606C>A (p.Ser2869Tyr)

Gene: KMT2C (lysine methyltransferase 2C; minus strand). Cytogenetic location: 7q36.1.
Variant type: single nucleotide variant.
Coding change: c.8606C>A on transcript NM_170606.3 (MANE Select); coding-DNA position 8606, C replaced by A.
Protein change: p.Ser2869Tyr; replaces serine 2869 with tyrosine.
Molecular consequence: missense variant.
Genome position (GRCh38, 1-based): chr7:152,176,847, G>T on the plus strand (C>A on the coding strand, the complement: KMT2C is on the minus strand). VCF-style: chr7-152176847-G-T. GRCh37 (hg19) VCF-style: chr7-151873932-G-T.
Other names: short protein forms S2869Y.
Identifiers: ClinVar variation 5002896 (VCV005002896.1).